The following is an entry in ClinVar:

ClinVar aggregate classification (germline): Benign/Likely benign. Review status: criteria provided, multiple submitters, no conflicts (2 of 4 stars). 5 submissions from 5 submitters: Benign (4); Likely benign (1). Last evaluated 2026-02-01.

Conditions:
Heterotaxy, visceral, 1, X-linked (HTX1). Also called: SITUS INVERSUS, COMPLEX CARDIAC DEFECTS, AND SPLENIC DEFECTS, X-LINKED; DEXTROCARDIA WITH OTHER CARDIAC MALFORMATIONS; Laterality, X-linked; Visceral heterotaxia. Identifiers: Orphanet 450, MedGen C1844020, MONDO:0010607, OMIM 306955.

Allele frequency attached by ClinVar (database versions not stated): gnomAD exomes 0.00106 and 0.00229; ExAC 0.00236; gnomAD 0.00921 and 0.00977; TOPMed 0.01067; 1000 Genomes Project 0.01192; 1000 Genomes Project 30x 0.01290.
gnomAD v4.1: 2,248 of 1,160,326 alleles (0.19%); highest among the groups gnomAD compares: African/African-American, 3%; 15 homozygotes.

Submissions (5):

Labcorp Genetics (formerly Invitae), Labcorp
Classification: Benign for Heterotaxy, visceral, 1, X-linked. Last evaluated: 2026-02-01. Review status: criteria provided, single submitter. Criteria: Invitae Variant Classification Sherloc (09022015). Collection method: clinical testing. Allele origin: germline.

Blueprint Genetics
Classification: Likely benign. Last evaluated: 2024-11-25. Review status: criteria provided, single submitter. Criteria: ACMG Guidelines, 2015. Collection method: clinical testing. Allele origin: germline.

GeneDx
Classification: Benign. Last evaluated: 2013-03-08. Review status: criteria provided, single submitter. Criteria: GeneDx Variant Classification (06012015). Collection method: clinical testing. Allele origin: germline. Affected: yes.
Comment: This variant is considered likely benign or benign based on one or more of the following criteria: it is a conservative change, it occurs at a poorly conserved position in the protein, it is predicted to be benign by multiple in silico algorithms, and/or has population frequency not consistent with disease.

Breakthrough Genomics
Classification: Benign. Review status: criteria provided, single submitter. Criteria: ACMG Guidelines, 2015. Collection method: not provided. Allele origin: germline. Inheritance: X-linked inheritance. Affected: yes.

PreventionGenetics, part of Exact Sciences
Classification: Benign. Review status: criteria provided, single submitter. Criteria: ACMG Guidelines, 2015. Collection method: clinical testing. Allele origin: germline.

NM_003413.4(ZIC3):c.162T>C (p.Ala54=)

Gene: ZIC3 (Zic family zinc finger 3; plus strand). Cytogenetic location: Xq26.3.
Variant type: single nucleotide variant.
Coding change: c.162T>C on transcript NM_003413.4 (MANE Select); coding-DNA position 162, T replaced by C.
Protein change: p.Ala54=; no amino-acid change (alanine 54 retained).
Molecular consequence: synonymous variant.
Genome position (GRCh38, 1-based): chrX:137,566,853, T>C. VCF-style: chrX-137566853-T-C. GRCh37 (hg19) VCF-style: chrX-136649012-T-C.
Other names: p.A54A:GCT>GCC; c.162T>C, p.Ala54= (NM_001330661.1).
Identifiers: ClinVar variation 137958 (VCV000137958.14), dbSNP rs62637689, ClinGen allele CA291686.